The following is an entry in ClinVar:

ClinVar aggregate classification (germline): Uncertain significance (1 of 4 stars; one submission).

Conditions:
Inborn genetic diseases. Identifiers: MedGen C0950123, MeSH D030342.

gnomAD v4.1: 1 of 1,561,896 alleles (0.000064%); highest among the groups gnomAD compares: Non-Finnish European, 0.000087%; no homozygotes.

Submission:

Ambry Genetics
Classification: Uncertain significance for Inborn genetic diseases. Last evaluated: 2025-04-25. Review status: criteria provided, single submitter. Criteria: Ambry Variant Classification Scheme 2023. Collection method: clinical testing. Allele origin: germline.
Comment: The p.K868R variant (also known as c.2603A>G), located in coding exon 14 of the FANCM gene, results from an A to G substitution at nucleotide position 2603. The lysine at codon 868 is replaced by arginine, an amino acid with highly similar properties. This amino acid position is conserved. In addition, this alteration is predicted to be tolerated by in silico analysis. Based on the available evidence, the clinical significance of this variant remains unclear.

NM_020937.4(FANCM):c.2603A>G (p.Lys868Arg)

Gene: FANCM (FA complementation group M; plus strand). Cytogenetic location: 14q21.2.
Variant type: single nucleotide variant.
Coding change: c.2603A>G on transcript NM_020937.4 (MANE Select); coding-DNA position 2603, A replaced by G.
Protein change: p.Lys868Arg; replaces lysine 868 with arginine.
Molecular consequence: missense variant.
Genome position (GRCh38, 1-based): chr14:45,175,357, A>G. VCF-style: chr14-45175357-A-G. GRCh37 (hg19) VCF-style: chr14-45644560-A-G.
Other names: c.2525A>G, p.Lys842Arg (NM_001308133.2); short protein forms K842R, K868R.
Identifiers: ClinVar variation 4022721 (VCV004022721.1).